The following is an entry in ClinVar:

NM_001037333.3(CYFIP2):c.2785A>C (p.Met929Leu)

Gene: CYFIP2 (cytoplasmic FMR1 interacting protein 2; plus strand). Cytogenetic location: 5q33.3.
Variant type: single nucleotide variant.
Coding change: c.2785A>C on transcript NM_001037333.3 (MANE Select); coding-DNA position 2785, A replaced by C.
Protein change: p.Met929Leu; replaces methionine 929 with leucine.
Molecular consequence: missense variant.
Genome position (GRCh38, 1-based): chr5:157,359,116, A>C. VCF-style: chr5-157359116-A-C. GRCh37 (hg19) VCF-style: chr5-156786124-A-C.
Other names: c.2707A>C, p.Met903Leu (NM_001291721.2); c.2860A>C, p.Met954Leu (NM_001291722.2); c.2785A>C, p.Met929Leu (NM_014376.4); short protein forms M903L, M929L, M954L.
Identifiers: ClinVar variation 1722837 (VCV001722837.2), dbSNP rs2532568824, ClinGen allele CA361976892.

ClinVar aggregate classification (germline): Uncertain significance (1 of 4 stars; one submission).

Submission:

GeneDx
Classification: Uncertain significance. Last evaluated: 2022-05-03. Review status: criteria provided, single submitter. Criteria: GeneDx Variant Classification Process June 2021. Collection method: clinical testing. Allele origin: germline. Affected: yes.
Comment: Not observed at significant frequency in large population cohorts (gnomAD); In silico analysis supports that this missense variant does not alter protein structure/function; Has not been previously published as pathogenic or benign to our knowledge